The following is an entry in ClinVar:

ClinVar aggregate classification (germline): Likely pathogenic. Review status: criteria provided, multiple submitters, no conflicts (2 of 4 stars). 2 submissions from 2 submitters: Likely pathogenic (2). Last evaluated 2024-06-05.

Submissions (2):

Revvity Omics, Revvity
Classification: Likely pathogenic. Last evaluated: 2024-06-05. Review status: criteria provided, single submitter. Criteria: ACMG Guidelines, 2015. Collection method: clinical testing. Allele origin: germline.

Mayo Clinic Laboratories, Mayo Clinic
Classification: Likely pathogenic. Last evaluated: 2023-03-21. Review status: criteria provided, single submitter. Criteria: ACMG Guidelines, 2015. Collection method: clinical testing. Allele origin: germline. Observed: 1 variant allele.
Comment: PM2, PVS1

NM_000492.4(CFTR):c.3392_3396dup (p.Thr1134fs)

Genes: CFTR (CF transmembrane conductance regulator; plus strand), CFTR-AS2 (CFTR antisense RNA 2; minus strand). Cytogenetic location: 7q31.2.
Variant type: Duplication.
Coding change: c.3392_3396dup on transcript NM_000492.4 (MANE Select); coding-DNA positions 3392 to 3396, 5 bases duplicated (TTATC; older notation c.3392_3396dupTTATC).
Protein change: p.Thr1134fs; shifts the reading frame from threonine 1134.
Molecular consequence: frameshift variant.
Genome position (GRCh38, 1-based): chr7:117,614,637-117,614,641, TTATC duplicated. VCF-style (leftmost placement, unchanged base first): chr7-117614636-A-ATTATC. GRCh37 (hg19) VCF-style: chr7-117254690-A-ATTATC.
Other names: p.Thr1134Serfs*2; short protein forms T1134fs.
Identifiers: ClinVar variation 2683618 (VCV002683618.2), dbSNP rs2485133928, ClinGen allele CA2697557587.